The following is an entry in ClinVar:

ClinVar aggregate classification (germline): Pathogenic (1 of 4 stars; one submission).

Conditions:
Familial adenomatous polyposis 1 (FAP1). Also called: FAMILIAL ADENOMATOUS POLYPOSIS 1, ATTENUATED; POLYPOSIS, ADENOMATOUS INTESTINAL. Identifiers: MedGen C2713442, MONDO:0021056, OMIM 175100. Disease mechanism: loss of function.

Submission:

Labcorp Genetics (formerly Invitae), Labcorp
Classification: Pathogenic for Familial adenomatous polyposis 1. Last evaluated: 2024-03-23. Review status: criteria provided, single submitter. Criteria: Invitae Variant Classification Sherloc (09022015). Collection method: clinical testing. Allele origin: germline.
Comment: This sequence change creates a premature translational stop signal (p.Asp1137Metfs*28) in the APC gene. While this is not anticipated to result in nonsense mediated decay, it is expected to disrupt the last 1707 amino acid(s) of the APC protein. This variant is not present in population databases (gnomAD no frequency). This premature translational stop signal has been observed in individual(s) with familial adenomatous polyposis (PMID: 19444466). A different truncation (p.Tyr2645Lysfs*14) that lies downstream of this variant has been determined to be pathogenic (PMID: 9824584, 1316610, 27081525, 8381579, 22135120, Invitae). This suggests that deletion of this region of the APC protein is causative of disease. This variant is expected to disrupt the EB1 and HDLG binding sites, which mediate interactions with the cytoskeleton (PMID: 15311282, 17293347). While functional studies have not been performed to directly test the effect on APC protein function, this suggests that disruption of the C-terminal portion of the protein is functionally important. For these reasons, this variant has been classified as Pathogenic.

Literature cited by the submitters: PubMed 19444466; PubMed 9824584; PubMed 1316610; PubMed 27081525; PubMed 8381579; PubMed 22135120; PubMed 15311282; PubMed 17293347.

NM_000038.6(APC):c.3408del (p.Asp1137fs)

Gene: APC (APC regulator of Wnt signaling pathway; plus strand). Cytogenetic location: 5q22.2.
Variant type: Deletion.
Coding change: c.3408del on transcript NM_000038.6 (MANE Select); coding-DNA position 3408, one base deleted (A; older notation c.3408delA).
Protein change: p.Asp1137fs; shifts the reading frame from aspartic acid 1137.
Molecular consequence: frameshift variant. On other transcripts: non-coding transcript variant (2).
Genome position (GRCh38, 1-based): chr5:112,839,002, A deleted; the last of 2 consecutive A bases (chr5:112,839,001-112,839,002); deleting either gives the same sequence. VCF-style (leftmost placement, unchanged base first): chr5-112839000-GA-G. GRCh37 (hg19) VCF-style: chr5-112174697-GA-G.
Other names: c.3408del, p.Asp1137fs (NM_001127510.3, NM_001354895.2, NM_001407450.1); c.3354del, p.Asp1119fs (NM_001127511.3); c.3462del, p.Asp1155fs (NM_001354896.2, NM_001407447.1, NM_001407448.1 and 1 more transcripts); c.3438del, p.Asp1147fs (NM_001354897.2); c.3333del, p.Asp1112fs (NM_001354898.2); c.3324del, p.Asp1109fs (NM_001354899.2); c.3285del, p.Asp1096fs (NM_001354900.2); c.3231del, p.Asp1078fs (NM_001354901.2, NM_001407453.1); and 11 more; short protein forms D1036fs, D1046fs, D1054fs, D1096fs, D1137fs, D854fs, D1078fs, D1165fs.
Identifiers: ClinVar variation 3720642 (VCV003720642.2).
Genomic context (GRCh38, chr5:112,839,000, plus strand): 5'-GGTTCTAATCATGGAATTAATCAAAATGTAAGCCAGTCTTTGTGTCAAGAAGATGACTAT[GA>G]AGATGATAAGCCTACCAATTATAGTGAACGTTACTCTGAAGAAGAACAGCATGAAGAAGA-3'